The following is an entry in ClinVar:

ClinVar aggregate classification (germline): Uncertain significance (1 of 4 stars; one submission).

Conditions:
MEIS2-related disorder.

Submission:

PreventionGenetics, part of Exact Sciences
Classification: Uncertain significance for MEIS2-related condition. Last evaluated: 2023-04-25. Review status: criteria provided, single submitter. Criteria: ACMG Guidelines, 2015. Collection method: clinical testing. Allele origin: germline.
Comment: The MEIS2 c.855A>G variant is not predicted to result in an amino acid change (p.=). This variant may generate a novel cryptic donor splice site according to available splicing prediction programs (Alamut Visual Plus v1.6.1). To our knowledge, this variant has not been reported in the literature or in a large population database, indicating this variant is rare. Although we suspect that this variant may be pathogenic, at this time, the clinical significance of this variant is uncertain due to the absence of conclusive functional and genetic evidence.

NM_170675.5(MEIS2):c.855A>G (p.Lys285=)

Gene: MEIS2 (Meis homeobox 2; minus strand). Cytogenetic location: 15q14.
Variant type: single nucleotide variant.
Coding change: c.855A>G on transcript NM_170675.5 (MANE Select); coding-DNA position 855, A replaced by G.
Protein change: p.Lys285=; no amino-acid change (lysine 285 retained).
Molecular consequence: synonymous variant. On other transcripts: non-coding transcript variant (1).
Genome position (GRCh38, 1-based): chr15:37,036,859, T>C on the plus strand (A>G on the coding strand, the complement: MEIS2 is on the minus strand). VCF-style: chr15-37036859-T-C. GRCh37 (hg19) VCF-style: chr15-37329060-T-C.
Other names: c.855A>G, p.Lys285= (NM_001220482.2, NM_170674.5, NM_170676.5 and 1 more transcripts); c.816A>G, p.Lys272= (NM_002399.4, NM_172315.3); c.591A>G, p.Lys197= (NM_172316.3).
Identifiers: ClinVar variation 2630216 (VCV002630216.1), dbSNP rs2504981134, ClinGen allele CA489632204.